The following is an entry in ClinVar:

ClinVar aggregate classification (germline): Uncertain significance (1 of 4 stars; one submission).

Conditions:
HYPERHOMOCYSTEINEMIA, THROMBOTIC, CBS-RELATED. Identifiers: MedGen C3150344, OMIM 236200.

Allele frequency attached by ClinVar (database versions not stated): gnomAD exomes below 0.00001; ExAC 0.00001; 1000 Genomes Project 0.00020.

Submission:

Labcorp Genetics (formerly Invitae), Labcorp
Classification: Uncertain significance for HYPERHOMOCYSTEINEMIA, THROMBOTIC, CBS-RELATED. Last evaluated: 2021-09-01. Review status: criteria provided, single submitter. Criteria: Invitae Variant Classification Sherloc (09022015). Collection method: clinical testing. Allele origin: germline.
Comment: This sequence change replaces lysine with glutamine at codon 405 of the CBS protein (p.Lys405Gln). The lysine residue is weakly conserved and there is a small physicochemical difference between lysine and glutamine. This variant is present in population databases (rs570121873, ExAC 0.01%). This variant has not been reported in the literature in individuals affected with CBS-related conditions. Algorithms developed to predict the effect of missense changes on protein structure and function (SIFT, PolyPhen-2, Align-GVGD) all suggest that this variant is likely to be tolerated. In summary, the available evidence is currently insufficient to determine the role of this variant in disease. Therefore, it has been classified as a Variant of Uncertain Significance.

NM_000071.3(CBS):c.1213A>C (p.Lys405Gln)

Gene: CBS (cystathionine beta-synthase; minus strand). Cytogenetic location: 21q22.3.
Variant type: single nucleotide variant.
Coding change: c.1213A>C on transcript NM_000071.3 (MANE Select); coding-DNA position 1213, A replaced by C.
Protein change: p.Lys405Gln; replaces lysine 405 with glutamine.
Molecular consequence: missense variant.
Genome position (GRCh38, 1-based): chr21:43,059,236, T>G on the plus strand (A>C on the coding strand, the complement: CBS is on the minus strand). VCF-style: chr21-43059236-T-G. GRCh37 (hg19) VCF-style: chr21-44479346-T-G.
Other names: c.1213A>C, p.Lys405Gln (NM_001178008.3, NM_001178009.3, NM_001320298.2); c.898A>C, p.Lys300Gln (NM_001321072.1); short protein forms K300Q, K405Q.
Identifiers: ClinVar variation 1369155 (VCV001369155.5), dbSNP rs570121873, ClinGen allele CA321688542.